The following is an entry in ClinVar:

ClinVar aggregate classification (germline): Conflicting classifications of pathogenicity. Review status: criteria provided, conflicting classifications (1 of 4 stars). 14 submissions from 14 submitters: Uncertain significance (1); Benign (5); Likely benign (3). 5 of the submissions do not count toward it. Last evaluated 2026-08-01.

Conditions:
CACNA1C-related disorder. Also called: CACNA1C-related condition; CACNA1C-related disorders. Identifiers: MedGen CN381092, MONDO:0700321.
Cardiovascular phenotype. Identifiers: MedGen CN230736.
Long QT syndrome (LQTS). Identifiers: MedGen C0023976, MeSH D008133, MONDO:0002442. Disease mechanism: loss of function. Inheritance: Various modes of inheritance.

Allele frequency attached by ClinVar (database versions not stated): 1000 Genomes Project 0.00040; 1000 Genomes Project 30x 0.00047; gnomAD 0.00125 and 0.00131; TOPMed 0.00193; ESP Exome Variant Server 0.00201; ExAC 0.00233.
gnomAD v4.1: 2,598 of 1,613,512 alleles (0.16%); highest among the groups gnomAD compares: Middle Eastern, 0.51%; 10 homozygotes.

Submissions (14):

CeGaT Center for Human Genetics Tuebingen
Classification: Likely benign. Last evaluated: 2026-08-01. Review status: criteria provided, single submitter. Criteria: CeGaT Center For Human Genetics Tuebingen Variant Classification Criteria Version 2. Collection method: clinical testing. Allele origin: germline. Affected: yes. Observed: 18 variant alleles.
Comment: CACNA1C: BP4, BS1

Labcorp Genetics (formerly Invitae), Labcorp
Classification: Benign for Long QT syndrome. Last evaluated: 2026-02-04. Review status: criteria provided, single submitter. Criteria: Invitae Variant Classification Sherloc (09022015). Collection method: clinical testing. Allele origin: germline.

Blueprint Genetics
Classification: Likely benign. Last evaluated: 2024-11-27. Review status: criteria provided, single submitter. Criteria: ACMG Guidelines, 2015. Collection method: clinical testing. Allele origin: germline.

Mayo Clinic Laboratories, Mayo Clinic
Classification: Benign. Last evaluated: 2024-03-01. Review status: criteria provided, single submitter. Criteria: ACMG Guidelines, 2015. Collection method: clinical testing. Allele origin: germline. Observed: 5 variant alleles.
Comment: BS1, BS2, BP4, BP7

Women's Health and Genetics/Laboratory Corporation of America, LabCorp
Classification: Benign. Last evaluated: 2023-04-10. Review status: criteria provided, single submitter. Criteria: LabCorp Variant Classification Summary - May 2015. Collection method: clinical testing. Allele origin: germline.

ARUP Laboratories, Molecular Genetics and Genomics, ARUP Laboratories
Classification: Benign. Last evaluated: 2022-10-21. Review status: criteria provided, single submitter. Criteria: ARUP Molecular Germline Variant Investigation Process 2021. Collection method: clinical testing. Allele origin: germline.

Eurofins Ntd Llc (ga)
Classification: Uncertain significance. Last evaluated: 2016-10-31. Review status: criteria provided, single submitter. Criteria: EGL Classification Definitions 2015. Collection method: clinical testing. Allele origin: germline. Observed: 6 variant alleles, 6 heterozygotes.

Ambry Genetics
Classification: Likely benign for Cardiovascular phenotype. Last evaluated: 2015-11-19. Review status: criteria provided, single submitter. Criteria: Ambry Variant Classification Scheme 2023. Collection method: clinical testing. Allele origin: germline.

GeneDx
Classification: Benign. Last evaluated: 2015-03-03. Review status: criteria provided, single submitter. Criteria: GeneDx Variant Classification Process June 2021. Collection method: clinical testing. Allele origin: germline. Affected: yes.

PreventionGenetics, part of Exact Sciences
Classification: Benign for CACNA1C-related condition. Last evaluated: 2019-07-16. Review status: no assertion criteria provided. Collection method: clinical testing. Allele origin: germline. Not counted in ClinVar's aggregate classification.
Comment: This variant is classified as benign based on ACMG/AMP sequence variant interpretation guidelines (Richards et al. 2015 PMID: 25741868, with internal and published modifications).

Clinical Genetics DNA and cytogenetics Diagnostics Lab, Erasmus MC, Erasmus Medical Center
Classification: Likely benign. Review status: no assertion criteria provided. Collection method: clinical testing. Allele origin: germline. Affected: yes. Study: VKGL Data-share Consensus. Not counted in ClinVar's aggregate classification.

Clinical Genetics, Academic Medical Center
Classification: Benign. Review status: no assertion criteria provided. Collection method: clinical testing. Allele origin: germline. Affected: yes. Study: VKGL Data-share Consensus. Not counted in ClinVar's aggregate classification.

Diagnostic Laboratory, Department of Genetics, University Medical Center Groningen
Classification: Likely benign. Review status: no assertion criteria provided. Collection method: clinical testing. Allele origin: germline. Affected: yes. Study: VKGL Data-share Consensus. Not counted in ClinVar's aggregate classification.

Joint Genome Diagnostic Labs from Nijmegen and Maastricht, Radboudumc and MUMC+
Classification: Benign. Review status: no assertion criteria provided. Collection method: clinical testing. Allele origin: germline. Affected: yes. Study: VKGL Data-share Consensus. Not counted in ClinVar's aggregate classification.

NM_000719.7(CACNA1C):c.3780C>A (p.Gly1260=)

Gene: CACNA1C (calcium voltage-gated channel subunit alpha1 C; plus strand). Cytogenetic location: 12p13.33.
Variant type: single nucleotide variant.
Coding change: c.3780C>A on transcript NM_000719.7 (MANE Select); coding-DNA position 3780, C replaced by A.
Protein change: p.Gly1260=; no amino-acid change (glycine 1260 retained).
Molecular consequence: synonymous variant.
Genome position (GRCh38, 1-based): chr12:2,611,965, C>A. VCF-style: chr12-2611965-C-A. GRCh37 (hg19) VCF-style: chr12-2721131-C-A.
Other names: p.Gly1260=; c.3840C>A, p.Gly1280= (NM_001129827.2, NM_001129832.2, NM_199460.4); c.3780C>A, p.Gly1260= (NM_001129829.2, NM_001129830.3, NM_001129831.2 and 15 more transcripts); c.3771C>A, p.Gly1257= (NM_001129844.2).
Identifiers: ClinVar variation 93403 (VCV000093403.104), dbSNP rs201258230, ClinGen allele CA221309.